The following is an entry in ClinVar:

NM_018896.5(CACNA1G):c.354+5GT[22]

Gene: CACNA1G (calcium voltage-gated channel subunit alpha1 G; plus strand). Cytogenetic location: 17q21.33.
Variant type: Microsatellite.
Coding change: c.354+5GT[22] on transcript NM_018896.5 (MANE Select); 22 copies in a row of the 2-base unit GT starting at c.354+5; the reference has 15 copies in a row; seven copies, 14 bases duplicated.
Molecular consequence: intron variant.
Genome position (GRCh38, 1-based): chr17:50,569,002-50,569,015, GTGTGTGTGTGTGT duplicated; duplicating any 14 consecutive bases within chr17:50,568,986-50,569,015 gives the same sequence; the position shown is the placement nearest the transcript's 3' end. VCF-style (leftmost placement, unchanged base first): chr17-50568985-A-AGTGTGTGTGTGTGT. GRCh37 (hg19) VCF-style: chr17-48646346-A-AGTGTGTGTGTGTGT.
Other names: p.?; c.354+5GT[22] (NM_001256329.2, NM_001256331.2, NM_198396.3 and 24 more transcripts); c.354+21_354+34dup (NM_018896.5).
Identifiers: ClinVar variation 4684237 (VCV004684237.1).

ClinVar aggregate classification (germline): Likely benign (1 of 4 stars; one submission).

Submission:

Mayo Clinic Laboratories, Mayo Clinic
Classification: Likely benign. Last evaluated: 2025-12-07. Review status: criteria provided, single submitter. Criteria: ACMG Guidelines, 2015. Collection method: clinical testing. Allele origin: germline. Observed: 1 variant allele.
Comment: BP4, BP7